The following is an entry in ClinVar:

NM_032830.3(UTP4):c.911-9C>T

Gene: UTP4 (UTP4 small subunit processome component). Cytogenetic location: 16q22.1.
Variant type: single nucleotide variant.
Coding change: c.911-9C>T on transcript NM_032830.3 (MANE Select); 9 bases into the intron before coding-DNA position 911, C replaced by T.
Molecular consequence: intron variant.
Genome position (GRCh38, 1-based): chr16:69,150,804, C>T. VCF-style: chr16-69150804-C-T. GRCh37 (hg19) VCF-style: chr16-69184707-C-T.
Other names: c.662-9C>T (NM_001318391.2).
Identifiers: ClinVar variation 4999357 (VCV004999357.1).

ClinVar aggregate classification (germline): Likely benign (1 of 4 stars; one submission).

Conditions:
UTP4-related disorder. Also called: UTP4-related condition.

gnomAD v4.1: 1 of 1,613,716 alleles (0.000062%); highest among the groups gnomAD compares: Non-Finnish European, 0.000085%; no homozygotes.

Submission:

PreventionGenetics, part of Exact Sciences
Classification: Likely benign for UTP4-related condition. Last evaluated: 2025-04-21. Review status: criteria provided, single submitter. Criteria: ACMG Guidelines, 2015. Collection method: clinical testing. Allele origin: germline.
Comment: This variant is classified as likely benign based on ACMG/AMP sequence variant interpretation guidelines (Richards et al. 2015 PMID: 25741868, with internal and published modifications).